The following is an entry in ClinVar:

NM_013275.6(ANKRD11):c.3444C>T (p.Gly1148=)

Gene: ANKRD11 (ankyrin repeat domain 11; minus strand). Cytogenetic location: 16q24.3.
Variant type: single nucleotide variant.
Coding change: c.3444C>T on transcript NM_013275.6 (MANE Select); coding-DNA position 3444, C replaced by T.
Protein change: p.Gly1148=; no amino-acid change (glycine 1148 retained).
Molecular consequence: synonymous variant.
Genome position (GRCh38, 1-based): chr16:89,283,098, G>A on the plus strand (C>T on the coding strand, the complement: ANKRD11 is on the minus strand). VCF-style: chr16-89283098-G-A. GRCh37 (hg19) VCF-style: chr16-89349506-G-A.
Other names: c.3444C>T, p.Gly1148= (NM_001256182.2, NM_001256183.2).
Identifiers: ClinVar variation 707635 (VCV000707635.10), dbSNP rs200250196, ClinGen allele CA8242355.

ClinVar aggregate classification (germline): Likely benign. Review status: criteria provided, single submitter (1 of 4 stars). 2 submissions from 2 submitters: Likely benign (1). 1 of the submissions does not count toward it. Last evaluated 2025-06-09.

Conditions:
KBG syndrome (KBGS). Also called: ANKRD11-Related KBG Syndrome. Identifiers: Orphanet 2332, MedGen C0220687, MONDO:0007846, OMIM 148050.
ANKRD11-related disorder. Also called: ANKRD11-related condition.

Allele frequency attached by ClinVar (database versions not stated): gnomAD exomes 0.00001 and 0.00006; ExAC 0.00007; gnomAD 0.00013; ESP Exome Variant Server 0.00015; TOPMed 0.00015; 1000 Genomes Project 0.00060; 1000 Genomes Project 30x 0.00062.
gnomAD v4.1: 39 of 1,613,844 alleles (0.0024%); highest among the groups gnomAD compares: African/African-American, 0.044%; no homozygotes.

Submissions (2):

Labcorp Genetics (formerly Invitae), Labcorp
Classification: Likely benign for KBG syndrome. Last evaluated: 2025-06-09. Review status: criteria provided, single submitter. Criteria: Invitae Variant Classification Sherloc (09022015). Collection method: clinical testing. Allele origin: germline.

PreventionGenetics, part of Exact Sciences
Classification: Likely benign for ANKRD11-related condition. Last evaluated: 2024-01-04. Review status: no assertion criteria provided. Collection method: clinical testing. Allele origin: germline. Not counted in ClinVar's aggregate classification.
Comment: This variant is classified as likely benign based on ACMG/AMP sequence variant interpretation guidelines (Richards et al. 2015 PMID: 25741868, with internal and published modifications).